The following is an entry in ClinVar:

NC_000022.11:g.(?_29603999)_(29604122_?)dup

Gene: NF2 (NF2, moesin-ezrin-radixin like (MERLIN) tumor suppressor; plus strand). Cytogenetic location: 22q12.2.
Variant type: Duplication.
Identifiers: ClinVar variation 832848 (VCV000832848.10).

ClinVar aggregate classification (germline): Uncertain significance (1 of 4 stars; one submission).

Conditions:
Neurofibromatosis, type 2 (SWNV). Also called: BILATERAL ACOUSTIC NEUROFIBROMATOSIS; SCHWANNOMATOSIS, VESTIBULAR; NF2-Related Schwannomatosis. Identifiers: Orphanet 637, MedGen C0027832, MONDO:0007039, OMIM 101000. Disease mechanism: loss of function.

Submission:

Labcorp Genetics (formerly Invitae), Labcorp
Classification: Uncertain significance for Neurofibromatosis, type 2. Last evaluated: 2022-10-24. Review status: criteria provided, single submitter. Criteria: Invitae Variant Classification Sherloc (09022015). Collection method: clinical testing. Allele origin: germline.
Comment: This variant results in a copy number gain of the genomic region encompassing exon(s) 1 of the NF2 gene. This region includes the initiator codon of the gene. This copy number gain extends beyond the assayed region for this gene and therefore may encompass additional genes. As the precise location of this event is unknown, it may be in tandem or it may be located elsewhere in the genome. This variant has not been reported in the literature in individuals affected with NF2-related conditions. Experimental studies and prediction algorithms are not available or were not evaluated, and the functional significance of this variant is currently unknown. In summary, the available evidence is currently insufficient to determine the role of this variant in disease. Therefore, it has been classified as a Variant of Uncertain Significance.